The following is an entry in ClinVar:

ClinVar aggregate classification (germline): Benign. Review status: criteria provided, multiple submitters, no conflicts (2 of 4 stars). 2 submissions from 2 submitters: Benign (2). Last evaluated 2016-03-29.

Allele frequency attached by ClinVar (database versions not stated): ESP Exome Variant Server 0.80876; gnomAD 0.81523 and 0.81727; TOPMed 0.81920; 1000 Genomes Project 30x 0.83026; 1000 Genomes Project 0.83187; gnomAD exomes 0.83661.
gnomAD v4.1: 1,331,448 of 1,595,596 alleles (83%); highest among the groups gnomAD compares: East Asian, 94%; 556,519 homozygotes.

Submissions (2):

Laboratory for Molecular Medicine, Mass General Brigham Personalized Medicine
Classification: Benign. Last evaluated: 2016-03-29. Review status: criteria provided, single submitter. Criteria: LMM Criteria. Collection method: clinical testing. Allele origin: germline.
Comment: Variant identified in a genome or exome case(s) and assessed due to predicted null impact of the variant or pathogenic assertions in the literature or databases. Disclaimer: This variant has not undergone full assessment. The following are preliminary notes: Frequency

Breakthrough Genomics
Classification: Benign. Review status: criteria provided, single submitter. Criteria: ACMG Guidelines, 2015. Collection method: not provided. Allele origin: germline. Inheritance: Unknown mechanism. Affected: yes.

NM_144651.5(PXDNL):c.2941A>G (p.Met981Val)

Gene: PXDNL (peroxidasin like; minus strand). Cytogenetic location: 8q11.22.
Variant type: single nucleotide variant.
Coding change: c.2941A>G on transcript NM_144651.5 (MANE Select); coding-DNA position 2941, A replaced by G.
Protein change: p.Met981Val; replaces methionine 981 with valine.
Molecular consequence: missense variant.
Genome position (GRCh38, 1-based): chr8:51,408,683, T>C on the plus strand (A>G on the coding strand, the complement: PXDNL is on the minus strand). VCF-style: chr8-51408683-T-C. GRCh37 (hg19) VCF-style: chr8-52321243-T-C.
Other names: short protein forms M981V.
Identifiers: ClinVar variation 403356 (VCV000403356.5), dbSNP rs2977020, ClinGen allele CA4744915.
Genomic context (GRCh38, chr8:51,408,683, plus strand): 5'-CTTCCTGGTAAACCGTGTTTCCCTCCCAGTGGGGGTTCAGGGCGGACAGCTCCGTGGCCA[T>C]CCTGTTGTGTTCCCGGAACCACAGGGTGTGCATGGCGGCCAGAGCCAGATGCTCGTTGGC-3'
Protein context (NP_653252.4, residues 971-991): HTLWFREHNR[Met981Val]ATELSALNPH